The following is an entry in ClinVar:

NM_001098426.2(SMARCD2):c.1347G>T (p.Gln449His)

Gene: SMARCD2 (SWI/SNF related BAF chromatin remodeling complex subunit D2; minus strand). Cytogenetic location: 17q23.3.
Variant type: single nucleotide variant.
Coding change: c.1347G>T on transcript NM_001098426.2 (MANE Select); coding-DNA position 1347, G replaced by T.
Protein change: p.Gln449His; replaces glutamine 449 with histidine.
Molecular consequence: missense variant.
Genome position (GRCh38, 1-based): chr17:63,833,391, C>A on the plus strand (G>T on the coding strand, the complement: SMARCD2 is on the minus strand). VCF-style: chr17-63833391-C-A. GRCh37 (hg19) VCF-style: chr17-61910751-C-A.
Other names: c.1122G>T, p.Gln374His (NM_001330439.1); c.1203G>T, p.Gln401His (NM_001330440.2); short protein forms Q374H, Q401H, Q449H.
Identifiers: ClinVar variation 1959412 (VCV001959412.5), dbSNP rs141743070, ClinGen allele CA400598398.
Genomic context (GRCh38, chr17:63,833,391, plus strand): 5'-CTGGATGAAGTCCTGGGGGTCGGTGCTAAAACTGAGCATGAAATCTCTCTGGGTCTTCAG[C>A]TGGTTGATGGACTCAATGGTCTCATGGATCTGGAGAGGGTACCTGTGTCAGACTGTGCCC-3'
Protein context (NP_001091896.1, residues 439-459): KIHETIESIN[Gln449His]LKTQRDFMLS

ClinVar aggregate classification (germline): Uncertain significance (1 of 4 stars; one submission).

Submission:

Labcorp Genetics (formerly Invitae), Labcorp
Classification: Uncertain significance. Last evaluated: 2023-07-17. Review status: criteria provided, single submitter. Criteria: Invitae Variant Classification Sherloc (09022015). Collection method: clinical testing. Allele origin: germline.
Comment: In summary, the available evidence is currently insufficient to determine the role of this variant in disease. Therefore, it has been classified as a Variant of Uncertain Significance. Advanced modeling of protein sequence and biophysical properties (such as structural, functional, and spatial information, amino acid conservation, physicochemical variation, residue mobility, and thermodynamic stability) performed at Invitae indicates that this missense variant is not expected to disrupt SMARCD2 protein function. ClinVar contains an entry for this variant (Variation ID: 1959412). This variant has not been reported in the literature in individuals affected with SMARCD2-related conditions. This variant is not present in population databases (gnomAD no frequency). This sequence change replaces glutamine, which is neutral and polar, with histidine, which is basic and polar, at codon 449 of the SMARCD2 protein (p.Gln449His).